The following is an entry in ClinVar:

NM_001365951.3(KIF1B):c.1931G>A (p.Arg644Gln)

Gene: KIF1B (kinesin family member 1B; plus strand). Cytogenetic location: 1p36.22.
Variant type: single nucleotide variant.
Coding change: c.1931G>A on transcript NM_001365951.3 (MANE Select); coding-DNA position 1931, G replaced by A.
Protein change: p.Arg644Gln; replaces arginine 644 with glutamine.
Molecular consequence: missense variant.
Genome position (GRCh38, 1-based): chr1:10,296,966, G>A. VCF-style: chr1-10296966-G-A. GRCh37 (hg19) VCF-style: chr1-10357024-G-A.
Other names: c.1931G>A, p.Arg644Gln (NM_001365952.1); c.1793G>A, p.Arg598Gln (NM_001365953.1, NM_015074.3, NM_183416.4); short protein forms R644Q, R598Q.
Identifiers: ClinVar variation 1780223 (VCV001780223.3), dbSNP rs2521402251, ClinGen allele CA338316802.

ClinVar aggregate classification (germline): Uncertain significance (1 of 4 stars; one submission).

Allele frequency attached by ClinVar (database versions not stated): gnomAD exomes below 0.00001.
gnomAD v4.1: 3 of 1,614,044 alleles (0.00019%); highest among the groups gnomAD compares: East Asian, 0.0022%; no homozygotes.

Submission:

Ambry Genetics
Classification: Uncertain significance. Last evaluated: 2025-06-16. Review status: criteria provided, single submitter. Criteria: Ambry Variant Classification Scheme 2023. Collection method: clinical testing. Allele origin: germline.
Comment: The p.R598Q variant (also known as c.1793G>A), located in coding exon 18 of the KIF1B gene, results from a G to A substitution at nucleotide position 1793. The arginine at codon 598 is replaced by glutamine, an amino acid with highly similar properties. This amino acid position is conserved. In addition, the in silico prediction for this alteration is inconclusive. Since supporting evidence is limited at this time, the clinical significance of this alteration remains unclear.